The following is an entry in ClinVar:

NM_030662.4(MAP2K2):c.288C>T (p.Leu96=)

Gene: MAP2K2 (mitogen-activated protein kinase kinase 2; minus strand). Cytogenetic location: 19p13.3.
Variant type: single nucleotide variant.
Coding change: c.288C>T on transcript NM_030662.4 (MANE Select); coding-DNA position 288, C replaced by T.
Protein change: p.Leu96=; no amino-acid change (leucine 96 retained).
Molecular consequence: synonymous variant.
Genome position (GRCh38, 1-based): chr19:4,117,434, G>A on the plus strand (C>T on the coding strand, the complement: MAP2K2 is on the minus strand). VCF-style: chr19-4117434-G-A. GRCh37 (hg19) VCF-style: chr19-4117432-G-A.
Identifiers: ClinVar variation 3026736 (VCV003026736.22), dbSNP rs2145079721, ClinGen allele CA505162250.
Genomic context (GRCh38, chr19:4,117,434, plus strand): 5'-ACCTTCCCCACCACTCCCCGACCTCCCCGACCCCGCAGTGCTCACCTTCCTGGCCATGAT[G>A]AGGCCCGAGGGTCTGTGCTGGACTTTGGTGACCACCCCGCCGTTGCCCGCGCCCAGCTCT-3'
Protein context (NP_109587.1, residues 86-106): VTKVQHRPSG[Leu96=]IMARKLIHLE

ClinVar aggregate classification (germline): Likely benign (1 of 4 stars; one submission).

Submission:

CeGaT Center for Human Genetics Tuebingen
Classification: Likely benign. Last evaluated: 2023-12-01. Review status: criteria provided, single submitter. Criteria: CeGaT Center For Human Genetics Tuebingen Variant Classification Criteria Version 2. Collection method: clinical testing. Allele origin: germline. Affected: yes. Observed: 1 variant allele.
Comment: MAP2K2: PM2:Supporting, BP4, BP7